The following is an entry in ClinVar:

ClinVar aggregate classification (germline): Benign/Likely benign. Review status: criteria provided, multiple submitters, no conflicts (2 of 4 stars). 4 submissions from 4 submitters: Benign (2); Likely benign (2). Last evaluated 2026-09-01.

Allele frequency attached by ClinVar (database versions not stated): 1000 Genomes Project 0.00060; 1000 Genomes Project 30x 0.00062; gnomAD 0.00122 and 0.00125; TOPMed 0.00127; ExAC 0.00159; gnomAD exomes 0.00160; ESP Exome Variant Server 0.00198.
gnomAD v4.1: 2,192 of 1,612,352 alleles (0.14%); highest among the groups gnomAD compares: Non-Finnish European, 0.11%; 6 homozygotes.

Submissions (4):

CeGaT Center for Human Genetics Tuebingen
Classification: Likely benign. Last evaluated: 2026-09-01. Review status: criteria provided, single submitter. Criteria: CeGaT Center For Human Genetics Tuebingen Variant Classification Criteria Version 2. Collection method: clinical testing. Allele origin: germline. Affected: yes. Observed: 5 variant alleles.
Comment: CACNA1G: BP4, BP7, BS1

Labcorp Genetics (formerly Invitae), Labcorp
Classification: Benign. Last evaluated: 2025-11-30. Review status: criteria provided, single submitter. Criteria: Invitae Variant Classification Sherloc (09022015). Collection method: clinical testing. Allele origin: germline.

Blueprint Genetics
Classification: Likely benign. Last evaluated: 2024-10-31. Review status: criteria provided, single submitter. Criteria: ACMG Guidelines, 2015. Collection method: clinical testing. Allele origin: germline.

GeneDx
Classification: Benign. Last evaluated: 2021-04-23. Review status: criteria provided, single submitter. Criteria: GeneDx Variant Classification Process June 2021. Collection method: clinical testing. Allele origin: germline. Affected: yes.

NM_018896.5(CACNA1G):c.3111G>A (p.Pro1037=)

Gene: CACNA1G (calcium voltage-gated channel subunit alpha1 G; plus strand). Cytogenetic location: 17q21.33.
Variant type: single nucleotide variant.
Coding change: c.3111G>A on transcript NM_018896.5 (MANE Select); coding-DNA position 3111, G replaced by A.
Protein change: p.Pro1037=; no amino-acid change (proline 1037 retained).
Molecular consequence: synonymous variant. On other transcripts: non-coding transcript variant (5).
Genome position (GRCh38, 1-based): chr17:50,596,776, G>A. VCF-style: chr17-50596776-G-A. GRCh37 (hg19) VCF-style: chr17-48674137-G-A.
Other names: c.3111G>A, p.Pro1037= (NM_001256324.2, NM_001256325.2, NM_001256326.2 and 16 more transcripts); c.3042G>A, p.Pro1014= (NM_001256332.2, NM_198376.3, NM_198379.3 and 5 more transcripts).
Identifiers: ClinVar variation 717562 (VCV000717562.35), dbSNP rs201745304, ClinGen allele CA8652635.